The following is an entry in ClinVar:

ClinVar aggregate classification (germline): Uncertain significance (1 of 4 stars; one submission).

Allele frequency attached by ClinVar (database versions not stated): gnomAD exomes below 0.00001.
gnomAD v4.1: 1 of 1,611,314 alleles (0.000062%); highest among the groups gnomAD compares: Non-Finnish European, 0.000085%; no homozygotes.

Submission:

CeGaT Center for Human Genetics Tuebingen
Classification: Uncertain significance. Last evaluated: 2023-03-01. Review status: criteria provided, single submitter. Criteria: CeGaT Center For Human Genetics Tuebingen Variant Classification Criteria Version 2. Collection method: clinical testing. Allele origin: germline. Affected: yes. Observed: 1 variant allele.
Comment: TNS2: PM2

NM_170754.4(TNS2):c.3574+1G>T

Gene: TNS2 (tensin 2; plus strand). Cytogenetic location: 12q13.13.
Variant type: single nucleotide variant.
Coding change: c.3574+1G>T on transcript NM_170754.4 (MANE Select); the canonical splice donor site of the intron after coding-DNA position 3574, G replaced by T.
Molecular consequence: splice donor variant.
Genome position (GRCh38, 1-based): chr12:53,061,941, G>T. VCF-style: chr12-53061941-G-T. GRCh37 (hg19) VCF-style: chr12-53455725-G-T.
Other names: c.3601+1G>T (NM_001416204.1); c.3202+1G>T (NM_198316.2); c.3574+1G>T (NM_001416202.1); c.3532+1G>T (NM_001416203.1); c.3505+1G>T (NM_015319.3).
Identifiers: ClinVar variation 2643042 (VCV002643042.24), dbSNP rs1367340435, ClinGen allele CA385016784.